The following is an entry in ClinVar:

ClinVar aggregate classification (germline): Uncertain significance. Review status: criteria provided, multiple submitters, no conflicts (2 of 4 stars). 2 submissions from 2 submitters: Uncertain significance (2). Last evaluated 2026-02-11.

Conditions:
Bloom syndrome (BLM). Also called: Bloom-Torre-Machacek syndrome. Identifiers: Orphanet 125, MedGen C0005859, MONDO:0008876, OMIM 210900.

Submissions (2):

GeneDx
Classification: Uncertain significance. Last evaluated: 2026-02-11. Review status: criteria provided, single submitter. Criteria: GeneDx Variant Classification Process June 2021. Collection method: clinical testing. Allele origin: germline.
Comment: Not observed at significant frequency in large population cohorts (gnomAD); In silico analysis suggests that this missense variant does not alter protein structure/function; Has not been previously published as pathogenic or benign to our knowledge

Labcorp Genetics (formerly Invitae), Labcorp
Classification: Uncertain significance for Bloom syndrome. Last evaluated: 2024-01-02. Review status: criteria provided, single submitter. Criteria: Invitae Variant Classification Sherloc (09022015). Collection method: clinical testing. Allele origin: germline.
Comment: This sequence change replaces proline, which is neutral and non-polar, with glutamine, which is neutral and polar, at codon 115 of the BLM protein (p.Pro115Gln). This variant is not present in population databases (gnomAD no frequency). This variant has not been reported in the literature in individuals affected with BLM-related conditions. Algorithms developed to predict the effect of missense changes on protein structure and function output the following: SIFT: "Not Available"; PolyPhen-2: "Benign"; Align-GVGD: "Not Available". The glutamine amino acid residue is found in multiple mammalian species, which suggests that this missense change does not adversely affect protein function. In summary, the available evidence is currently insufficient to determine the role of this variant in disease. Therefore, it has been classified as a Variant of Uncertain Significance.

NM_000057.4(BLM):c.344C>A (p.Pro115Gln)

Gene: BLM (BLM RecQ like helicase; plus strand). Cytogenetic location: 15q26.1.
Variant type: single nucleotide variant.
Coding change: c.344C>A on transcript NM_000057.4 (MANE Select); coding-DNA position 344, C replaced by A.
Protein change: p.Pro115Gln; replaces proline 115 with glutamine.
Molecular consequence: missense variant. On other transcripts: 5 prime UTR variant (1).
Genome position (GRCh38, 1-based): chr15:90,749,612, C>A. VCF-style: chr15-90749612-C-A. GRCh37 (hg19) VCF-style: chr15-91292842-C-A.
Other names: c.344C>A, p.Pro115Gln (NM_001287246.2, NM_001287247.2); c.-948C>A (NM_001287248.2); short protein forms P115Q.
Identifiers: ClinVar variation 2868895 (VCV002868895.4), dbSNP rs371100621, ClinGen allele CA393840351.